The following is an entry in ClinVar:

NM_025137.4(SPG11):c.2518G>A (p.Asp840Asn)

Gene: SPG11 (SPG11 vesicle trafficking associated, spatacsin; minus strand). Cytogenetic location: 15q21.1.
Variant type: single nucleotide variant.
Coding change: c.2518G>A on transcript NM_025137.4 (MANE Select); coding-DNA position 2518, G replaced by A.
Protein change: p.Asp840Asn; replaces aspartic acid 840 with asparagine.
Molecular consequence: missense variant.
Genome position (GRCh38, 1-based): chr15:44,621,861, C>T on the plus strand (G>A on the coding strand, the complement: SPG11 is on the minus strand). VCF-style: chr15-44621861-C-T. GRCh37 (hg19) VCF-style: chr15-44914059-C-T.
Other names: c.2518G>A, p.Asp840Asn (NM_001160227.2); short protein forms D840N.
Identifiers: ClinVar variation 1420578 (VCV001420578.5), dbSNP rs769653781, ClinGen allele CA7535218.

ClinVar aggregate classification (germline): Uncertain significance (1 of 4 stars; one submission).

Conditions:
Hereditary spastic paraplegia 11. Also called: Nakamura Osame syndrome; Autosomal recessive hereditary spastic paraplegia, mental impairment, and thin corpus callosum; Spastic Paraplegia 11; Spastic paraplegia, mental retardation and thin corpus callosum; SPASTIC PARAPLEGIA, AUTOSOMAL RECESSIVE, COMPLICATED, WITH THIN CORPUS CALLOSUM; SPASTIC PARAPLEGIA, AUTOSOMAL RECESSIVE, WITH MENTAL IMPAIRMENT AND THIN CORPUS CALLOSUM. Identifiers: Orphanet 2822, MedGen C1858479, MONDO:0011445, OMIM 604360.

Allele frequency attached by ClinVar (database versions not stated): ExAC 0.00001; gnomAD 0.00001; gnomAD exomes 0.00001; TOPMed 0.00001.
gnomAD v4.1: 2 of 1,613,626 alleles (0.00012%); highest among the groups gnomAD compares: East Asian, 0.0022%; no homozygotes.

Submission:

Labcorp Genetics (formerly Invitae), Labcorp
Classification: Uncertain significance for Hereditary spastic paraplegia 11. Last evaluated: 2022-10-24. Review status: criteria provided, single submitter. Criteria: Invitae Variant Classification Sherloc (09022015). Collection method: clinical testing. Allele origin: germline.
Comment: This sequence change replaces aspartic acid, which is acidic and polar, with asparagine, which is neutral and polar, at codon 840 of the SPG11 protein (p.Asp840Asn). This variant is present in population databases (rs769653781, gnomAD 0.02%). This variant has not been reported in the literature in individuals affected with SPG11-related conditions. ClinVar contains an entry for this variant (Variation ID: 1420578). Advanced modeling of protein sequence and biophysical properties (such as structural, functional, and spatial information, amino acid conservation, physicochemical variation, residue mobility, and thermodynamic stability) performed at Invitae indicates that this missense variant is not expected to disrupt SPG11 protein function. In summary, the available evidence is currently insufficient to determine the role of this variant in disease. Therefore, it has been classified as a Variant of Uncertain Significance.